The following is an entry in ClinVar:

ClinVar aggregate classification (germline): Uncertain significance (1 of 4 stars; one submission).

Conditions:
Charcot-Marie-Tooth disease axonal type 2V. Also called: CHARCOT-MARIE-TOOTH NEUROPATHY, TYPE 2V; CHARCOT-MARIE-TOOTH DISEASE, AXONAL, AUTOSOMAL DOMINANT, TYPE 2V. Identifiers: Orphanet 447964, MedGen C5569050, MONDO:0014665, OMIM 616491.
Mucopolysaccharidosis, MPS-III-B (MPS3B). Also called: N-ACETYL-ALPHA-D-GLUCOSAMINIDASE DEFICIENCY; NAGLU DEFICIENCY; SANFILIPPO SYNDROME B; MPS III B; MUCOPOLYSACCHARIDOSIS, TYPE IIIB; MPS IIIB (Sanfilippo Syndrome Type B). Identifiers: Orphanet 79270, MedGen C0086648, MONDO:0009656, OMIM 252920.

Allele frequency attached by ClinVar (database versions not stated): TOPMed below 0.00001; ExAC 0.00001; gnomAD exomes 0.00001.
gnomAD v4.1: 20 of 1,613,900 alleles (0.0012%); highest among the groups gnomAD compares: Non-Finnish European, 0.0017%; no homozygotes.

Submission:

Labcorp Genetics (formerly Invitae), Labcorp
Classification: Uncertain significance for Charcot-Marie-Tooth disease axonal type 2V; Mucopolysaccharidosis, MPS-III-B. Last evaluated: 2022-07-23. Review status: criteria provided, single submitter. Criteria: Invitae Variant Classification Sherloc (09022015). Collection method: clinical testing. Allele origin: germline.
Comment: This sequence change replaces threonine, which is neutral and polar, with isoleucine, which is neutral and non-polar, at codon 254 of the NAGLU protein (p.Thr254Ile). This variant is present in population databases (rs751812997, gnomAD 0.0009%). This variant has not been reported in the literature in individuals affected with NAGLU-related conditions. Algorithms developed to predict the effect of missense changes on protein structure and function (SIFT, PolyPhen-2, Align-GVGD) all suggest that this variant is likely to be tolerated. In summary, the available evidence is currently insufficient to determine the role of this variant in disease. Therefore, it has been classified as a Variant of Uncertain Significance.

NM_000263.4(NAGLU):c.761C>T (p.Thr254Ile)

Gene: NAGLU (N-acetyl-alpha-glucosaminidase; plus strand). Cytogenetic location: 17q21.2.
Variant type: single nucleotide variant.
Coding change: c.761C>T on transcript NM_000263.4 (MANE Select); coding-DNA position 761, C replaced by T.
Protein change: p.Thr254Ile; replaces threonine 254 with isoleucine.
Molecular consequence: missense variant.
Genome position (GRCh38, 1-based): chr17:42,538,752, C>T. VCF-style: chr17-42538752-C-T. GRCh37 (hg19) VCF-style: chr17-40690770-C-T.
Other names: short protein forms T254I.
Identifiers: ClinVar variation 2160876 (VCV002160876.1), dbSNP rs751812997, ClinGen allele CA8576847.